The following is an entry in ClinVar:

ClinVar aggregate classification (germline): Uncertain significance (1 of 4 stars; one submission).

Conditions:
Familial adenomatous polyposis 1 (FAP1). Also called: FAMILIAL ADENOMATOUS POLYPOSIS 1, ATTENUATED; POLYPOSIS, ADENOMATOUS INTESTINAL. Identifiers: MedGen C2713442, MONDO:0021056, OMIM 175100. Disease mechanism: loss of function.

Submission:

Labcorp Genetics (formerly Invitae), Labcorp
Classification: Uncertain significance for Familial adenomatous polyposis 1. Last evaluated: 2024-04-16. Review status: criteria provided, single submitter. Criteria: Invitae Variant Classification Sherloc (09022015). Collection method: clinical testing. Allele origin: germline.
Comment: This variant occurs in a non-coding region of the APC gene. It does not change the encoded amino acid sequence of the APC protein. This variant is not present in population databases (gnomAD no frequency). This variant has not been reported in the literature in individuals affected with APC-related conditions. Experimental studies and prediction algorithms are not available or were not evaluated, and the functional significance of this variant is currently unknown. In summary, the available evidence is currently insufficient to determine the role of this variant in disease. Therefore, it has been classified as a Variant of Uncertain Significance.

NM_001127511.3(APC):c.151G>C (p.Ala51Pro)

Gene: APC (APC regulator of Wnt signaling pathway; plus strand). Cytogenetic location: 5q22.2.
Variant type: single nucleotide variant.
Coding change: c.151G>C on transcript NM_001127511.3; coding-DNA position 151, G replaced by C.
Protein change: p.Ala51Pro; replaces alanine 51 with proline.
Molecular consequence: missense variant. On other transcripts: 5 prime UTR variant (8), non-coding transcript variant (1), intron variant (5).
Genome position (GRCh38, 1-based): chr5:112,707,868, G>C. VCF-style: chr5-112707868-G-C. GRCh37 (hg19) VCF-style: chr5-112043565-G-C.
Other names: c.-33G>C (NM_001354895.2, NM_001407447.1, NM_001407452.1 and 3 more transcripts); c.151G>C, p.Ala51Pro (NM_001354897.2, NM_001354902.2, NM_001407446.1); c.-1068G>C (NM_001407470.1, NM_001407472.1); c.-19+219G>C (NM_001407448.1, NM_001407450.1, NM_001407457.1 and 1 more transcripts); c.-43+219G>C (NM_001407453.1); short protein forms A51P.
Identifiers: ClinVar variation 1380202 (VCV001380202.6), dbSNP rs1750617136, ClinGen allele CA360612174.
Genomic context (GRCh38, chr5:112,707,868, plus strand): 5'-AGGAGCTGCGTCCGGCAGGAGACGAAGAGCCCGGGCGGCGCTCGTACTTCTGGCCACTGG[G>C]CGAGCGTCTGGCAGGTGAGTGAGGCTGCAGGCATTGACGTCTCCTCCCGGCAAAGCTTCC-3'